The following is an entry in ClinVar:

NM_006796.3(AFG3L2):c.605C>G (p.Pro202Arg)

Gene: AFG3L2 (AFG3 like matrix AAA peptidase subunit 2; minus strand). Cytogenetic location: 18p11.21.
Variant type: single nucleotide variant.
Coding change: c.605C>G on transcript NM_006796.3 (MANE Select); coding-DNA position 605, C replaced by G.
Protein change: p.Pro202Arg; replaces proline 202 with arginine.
Molecular consequence: missense variant.
Genome position (GRCh38, 1-based): chr18:12,363,804, G>C on the plus strand (C>G on the coding strand, the complement: AFG3L2 is on the minus strand). VCF-style: chr18-12363804-G-C. GRCh37 (hg19) VCF-style: chr18-12363803-G-C.
Other names: short protein forms P202R.
Identifiers: ClinVar variation 1961217 (VCV001961217.6), dbSNP rs144401350, ClinGen allele CA8896711.
Genomic context (GRCh38, chr18:12,363,804, plus strand): 5'-TTTACAACTAATTCACATCAATTAATAAAATGATTTACCCCATCAACAGGAGTTTTTCCT[G>C]GTGTAAAGGTCACTCGAACAAAACGCTTGTTGACGACTTCCAATCTGTCTACCTAGAATT-3'
Protein context (NP_006787.2, residues 192-212): NKRFVRVTFT[Pro202Arg]GKTPVDGQYV

ClinVar aggregate classification (germline): Uncertain significance. Review status: criteria provided, multiple submitters, no conflicts (2 of 4 stars). 2 submissions from 2 submitters: Uncertain significance (2). Last evaluated 2025-06-25.

Conditions:
Inborn genetic diseases. Identifiers: MedGen C0950123, MeSH D030342.

Allele frequency attached by ClinVar (database versions not stated): TOPMed below 0.00001; ExAC 0.00001; gnomAD 0.00001; ESP Exome Variant Server 0.00008.
gnomAD v4.1: 2 of 1,612,636 alleles (0.00012%); highest among the groups gnomAD compares: Middle Eastern, 0.018%; no homozygotes.

Submissions (2):

Ambry Genetics
Classification: Uncertain significance for Inborn genetic diseases. Last evaluated: 2025-06-25. Review status: criteria provided, single submitter. Criteria: Ambry Variant Classification Scheme 2023. Collection method: clinical testing. Allele origin: germline.

Labcorp Genetics (formerly Invitae), Labcorp
Classification: Uncertain significance. Last evaluated: 2023-02-03. Review status: criteria provided, single submitter. Criteria: Invitae Variant Classification Sherloc (09022015). Collection method: clinical testing. Allele origin: germline.
Comment: This sequence change replaces proline, which is neutral and non-polar, with arginine, which is basic and polar, at codon 202 of the AFG3L2 protein (p.Pro202Arg). In summary, the available evidence is currently insufficient to determine the role of this variant in disease. Therefore, it has been classified as a Variant of Uncertain Significance. Algorithms developed to predict the effect of missense changes on protein structure and function (SIFT, PolyPhen-2, Align-GVGD) all suggest that this variant is likely to be tolerated. This variant has not been reported in the literature in individuals affected with AFG3L2-related conditions. This variant is present in population databases (rs144401350, gnomAD 0.01%).